The following is an entry in ClinVar:

ClinVar aggregate classification (germline): Uncertain significance (1 of 4 stars; one submission).

Conditions:
Long QT syndrome (LQTS). Identifiers: MedGen C0023976, MeSH D008133, MONDO:0002442. Disease mechanism: loss of function. Inheritance: Various modes of inheritance.

Submission:

Labcorp Genetics (formerly Invitae), Labcorp
Classification: Uncertain significance for Long QT syndrome. Last evaluated: 2022-11-22. Review status: criteria provided, single submitter. Criteria: Invitae Variant Classification Sherloc (09022015). Collection method: clinical testing. Allele origin: germline.
Comment: This variant is not present in population databases (gnomAD no frequency). In summary, the available evidence is currently insufficient to determine the role of this variant in disease. Therefore, it has been classified as a Variant of Uncertain Significance. Algorithms developed to predict the effect of missense changes on protein structure and function are either unavailable or do not agree on the potential impact of this missense change (SIFT: "Tolerated"; PolyPhen-2: "Possibly Damaging"; Align-GVGD: "Class C0"). ClinVar contains an entry for this variant (Variation ID: 1377869). This variant has not been reported in the literature in individuals affected with KCNH2-related conditions. This sequence change replaces arginine, which is basic and polar, with lysine, which is basic and polar, at codon 1069 of the KCNH2 protein (p.Arg1069Lys).

NM_000238.4(KCNH2):c.3206G>A (p.Arg1069Lys)

Gene: KCNH2 (potassium voltage-gated channel subfamily H member 2; minus strand). Cytogenetic location: 7q36.1.
Variant type: single nucleotide variant.
Coding change: c.3206G>A on transcript NM_000238.4 (MANE Select); coding-DNA position 3206, G replaced by A.
Protein change: p.Arg1069Lys; replaces arginine 1069 with lysine.
Molecular consequence: missense variant.
Genome position (GRCh38, 1-based): chr7:150,947,001, C>T on the plus strand (G>A on the coding strand, the complement: KCNH2 is on the minus strand). VCF-style: chr7-150947001-C-T. GRCh37 (hg19) VCF-style: chr7-150644089-C-T.
Other names: c.2186G>A, p.Arg729Lys (NM_172057.3); short protein forms R1069K, R729K.
Identifiers: ClinVar variation 1377869 (VCV001377869.8), dbSNP rs2116926112, ClinGen allele CA369852251.